The following is an entry in ClinVar:

ClinVar aggregate classification (germline): Uncertain significance. Review status: criteria provided, multiple submitters, no conflicts (2 of 4 stars). 2 submissions from 2 submitters: Uncertain significance (2). Last evaluated 2022-02-14.

Conditions:
Central core myopathy (CMYO1A). Also called: CONGENITAL MYOPATHY 1A, AUTOSOMAL DOMINANT, WITH SUSCEPTIBILITY TO MALIGNANT HYPERTHERMIA; Central core disease; Myopathy, central fibrillar. Identifiers: Orphanet 597, MedGen C5830701, MONDO:0007294, OMIM 117000.
Congenital multicore myopathy with external ophthalmoplegia (CMYO1B). Also called: Minicore myopathy with external ophthalmoplegia; MULTICORE MYOPATHY; MULTIMINICORE DISEASE WITH EXTERNAL OPHTHALMOPLEGIA; Congenital myopathy 1B, autosomal recessive; Minicore myopathy. Identifiers: Orphanet 598, Orphanet 98905, MedGen C1850674, MONDO:0009712, OMIM 255320, HP:0003789.
Congenital myopathy with fiber type disproportion. Also called: Congenital fiber-type disproportion myopathy; Congenital fiber-type disproportion. Identifiers: Orphanet 2020, MedGen C0546264, MONDO:0009711. Inheritance: all.
Malignant hyperthermia, susceptibility to, 1 (MHS1). Also called: Anesthesia related hyperthermia; Malignant hyperpyrexia; Fulminating hyperpyrexia; Pharmacogenic myopathy; Malignant hyperthermia suceptibility 1; RYR1-Related Malignant Hyperthermia Susceptibility. Identifiers: Orphanet 423, MedGen C2930980, MONDO:0007783, OMIM 145600.
King Denborough syndrome (KDS). Identifiers: MedGen C1840365, MONDO:0020485, OMIM 619542.
RYR1-related disorder. Also called: RYR1-related disorders; RYR1-related condition. Identifiers: MedGen CN239331.

gnomAD v4.1: 1 of 1,614,174 alleles (0.000062%); highest among the groups gnomAD compares: African/African-American, 0.0013%; no homozygotes.

Submissions (2):

Fulgent Genetics
Classification: Uncertain significance for Central core myopathy; Malignant hyperthermia, susceptibility to, 1; Congenital myopathy 4A, autosomal dominant; Congenital multicore myopathy with external ophthalmoplegia; King Denborough syndrome. Last evaluated: 2022-02-14. Review status: criteria provided, single submitter. Criteria: ACMG Guidelines, 2015. Collection method: clinical testing. Allele origin: unknown.

Labcorp Genetics (formerly Invitae), Labcorp
Classification: Uncertain significance for RYR1-Related Disorders. Last evaluated: 2019-10-12. Review status: criteria provided, single submitter. Criteria: Invitae Variant Classification Sherloc (09022015). Collection method: clinical testing. Allele origin: germline.
Comment: This sequence change replaces leucine with valine at codon 3003 of the RYR1 protein (p.Leu3003Val). The leucine residue is highly conserved and there is a small physicochemical difference between leucine and valine. This variant is not present in population databases (ExAC no frequency). This variant has not been reported in the literature in individuals with RYR1-related conditions. Algorithms developed to predict the effect of missense changes on protein structure and function are either unavailable or do not agree on the potential impact of this missense change (SIFT: "Deleterious"; PolyPhen-2: "Benign"; Align-GVGD: "Class C0"). In summary, the available evidence is currently insufficient to determine the role of this variant in disease. Therefore, it has been classified as a Variant of Uncertain Significance.

NM_000540.3(RYR1):c.9007C>G (p.Leu3003Val)

Gene: RYR1 (ryanodine receptor 1; plus strand). Cytogenetic location: 19q13.2.
Variant type: single nucleotide variant.
Coding change: c.9007C>G on transcript NM_000540.3 (MANE Select); coding-DNA position 9007, C replaced by G.
Protein change: p.Leu3003Val; replaces leucine 3003 with valine.
Molecular consequence: missense variant.
Genome position (GRCh38, 1-based): chr19:38,510,666, C>G. VCF-style: chr19-38510666-C-G. GRCh37 (hg19) VCF-style: chr19-39001306-C-G.
Other names: c.9007C>G, p.Leu3003Val (NM_001042723.2); short protein forms L3003V.
Identifiers: ClinVar variation 933321 (VCV000933321.2), dbSNP rs1970687243, ClinGen allele CA405683572.
Genomic context (GRCh38, chr19:38,510,666, plus strand): 5'-ATAGGCTCTCCCCACCCCTCATTGGACCCTTTATCTCCCCCAACCCGTCTCCAGATCCTG[C>G]TCCCTTTGATCAACCAGTACTTCACCAACCACTGCCTCTATTTCTTGTCCACTCCGGCTA-3'
Protein context (NP_000531.2, residues 2993-3013): QEIKFFAKIL[Leu3003Val]PLINQYFTNH